The following is an entry in ClinVar:

ClinVar aggregate classification (germline): Conflicting classifications of pathogenicity. Review status: criteria provided, conflicting classifications (1 of 4 stars). 4 submissions from 4 submitters: Uncertain significance (1); Likely benign (3). Last evaluated 2025-10-28.

Conditions:
FZD4-related disorder. Also called: FZD4-related condition.

Allele frequency attached by ClinVar (database versions not stated): gnomAD 0.00001; TOPMed 0.00002; gnomAD exomes 0.00008; ExAC 0.00009.

Submissions (4):

PreventionGenetics, part of Exact Sciences
Classification: Likely benign for FZD4-related condition. Last evaluated: 2025-10-28. Review status: criteria provided, single submitter. Criteria: ACMG Guidelines, 2015. Collection method: clinical testing. Allele origin: germline.
Comment: This variant is classified as likely benign based on ACMG/AMP sequence variant interpretation guidelines (Richards et al. 2015 PMID: 25741868, with internal and published modifications).

Labcorp Genetics (formerly Invitae), Labcorp
Classification: Likely benign. Last evaluated: 2025-09-30. Review status: criteria provided, single submitter. Criteria: Invitae Variant Classification Sherloc (09022015). Collection method: clinical testing. Allele origin: germline.

Blueprint Genetics
Classification: Likely benign. Last evaluated: 2024-06-03. Review status: criteria provided, single submitter. Criteria: ACMG Guidelines, 2015. Collection method: clinical testing. Allele origin: germline.

Eurofins Ntd Llc (ga)
Classification: Uncertain significance. Last evaluated: 2015-03-16. Review status: criteria provided, single submitter. Criteria: EGL Classification Definitions 2015. Collection method: clinical testing. Allele origin: germline. Observed: 1 variant allele, 1 heterozygote.

NM_012193.4(FZD4):c.729C>T (p.Ile243=)

Genes: FZD4 (frizzled class receptor 4; minus strand), PRSS23 (serine protease 23; plus strand). Cytogenetic location: 11q14.2.
Variant type: single nucleotide variant.
Coding change: c.729C>T on transcript NM_012193.4 (MANE Select); coding-DNA position 729, C replaced by T.
Protein change: p.Ile243=; no amino-acid change (isoleucine 243 retained).
Molecular consequence: synonymous variant. On other transcripts: non-coding transcript variant (2).
Genome position (GRCh38, 1-based): chr11:86,952,027, G>A on the plus strand (C>T on the coding strand, the complement: FZD4 is on the minus strand). VCF-style: chr11-86952027-G-A. GRCh37 (hg19) VCF-style: chr11-86663069-G-A.
Other names: c.729C>T (NM_012193.3).
Identifiers: ClinVar variation 195277 (VCV000195277.14), dbSNP rs560649393, ClinGen allele CA241622.